The following is an entry in ClinVar:

ClinVar aggregate classification (germline): Uncertain significance (1 of 4 stars; one submission).

Conditions:
Muscular dystrophy-dystroglycanopathy (congenital with brain and eye anomalies), type A9. Also called: WALKER-WARBURG SYNDROME OR MUSCLE-EYE BRAIN DISEASE, DAG1-RELATED; Muscular dystrophy-dystroglycanopathy (congenital with brain and eye anomalies), type a, 9. Identifiers: Orphanet 370997, Orphanet 899, MedGen C4225291, MONDO:0014683, OMIM 616538.
Autosomal recessive limb-girdle muscular dystrophy type 2P. Also called: MUSCULAR DYSTROPHY, LIMB-GIRDLE, TYPE 2P; MUSCULAR DYSTROPHY-DYSTROGLYCANOPATHY, LIMB-GIRDLE, DAG1-RELATED; Limb-Girdle Muscular Dystrophy Type 9C. Identifiers: Orphanet 280333, MedGen C4511963, MONDO:0013440, OMIM 613818.

Allele frequency attached by ClinVar (database versions not stated): gnomAD exomes below 0.00001.
gnomAD v4.1: 3 of 1,612,744 alleles (0.00019%); highest among the groups gnomAD compares: Non-Finnish European, 0.00025%; no homozygotes.

Submission:

Labcorp Genetics (formerly Invitae), Labcorp
Classification: Uncertain significance for Autosomal recessive limb-girdle muscular dystrophy type 2P; Muscular dystrophy-dystroglycanopathy (congenital with brain and eye anomalies), type A9. Last evaluated: 2022-02-24. Review status: criteria provided, single submitter. Criteria: Invitae Variant Classification Sherloc (09022015). Collection method: clinical testing. Allele origin: germline.
Comment: This variant is not present in population databases (gnomAD no frequency). In summary, the available evidence is currently insufficient to determine the role of this variant in disease. Therefore, it has been classified as a Variant of Uncertain Significance. Algorithms developed to predict the effect of missense changes on protein structure and function are either unavailable or do not agree on the potential impact of this missense change (SIFT: "Tolerated"; PolyPhen-2: "Possibly Damaging"; Align-GVGD: "Class C0"). ClinVar contains an entry for this variant (Variation ID: 956056). This variant has not been reported in the literature in individuals affected with DAG1-related conditions. This sequence change replaces arginine, which is basic and polar, with glycine, which is neutral and non-polar, at codon 359 of the DAG1 protein (p.Arg359Gly).

NM_004393.6(DAG1):c.1075A>G (p.Arg359Gly)

Gene: DAG1 (dystroglycan 1; plus strand). Cytogenetic location: 3p21.31.
Variant type: single nucleotide variant.
Coding change: c.1075A>G on transcript NM_004393.6 (MANE Select); coding-DNA position 1075, A replaced by G.
Protein change: p.Arg359Gly; replaces arginine 359 with glycine.
Molecular consequence: missense variant.
Genome position (GRCh38, 1-based): chr3:49,531,586, A>G. VCF-style: chr3-49531586-A-G. GRCh37 (hg19) VCF-style: chr3-49569019-A-G.
Other names: c.1075A>G, p.Arg359Gly (NM_001165928.4, NM_001177634.3, NM_001177635.3 and 9 more transcripts); short protein forms R359G.
Identifiers: ClinVar variation 956056 (VCV000956056.7), dbSNP rs2051347944, ClinGen allele CA352794676.